The following is an entry in ClinVar:

ClinVar aggregate classification (germline): Uncertain significance (1 of 4 stars; one submission).

Conditions:
Cholestanol storage disease (CTX). Also called: Cerebrotendinous Xanthomatosis; CEREBRAL CHOLESTERINOSIS; CTX: Cerebrotendinous xanthomatosis. Identifiers: Orphanet 909, MedGen C0238052, MONDO:0008948, OMIM 213700.

Submission:

Labcorp Genetics (formerly Invitae), Labcorp
Classification: Uncertain significance for Cholestanol storage disease. Last evaluated: 2020-12-23. Review status: criteria provided, single submitter. Criteria: Invitae Variant Classification Sherloc (09022015). Collection method: clinical testing. Allele origin: germline.
Comment: This sequence change replaces leucine with phenylalanine at codon 87 of the CYP27A1 protein (p.Leu87Phe). The leucine residue is moderately conserved and there is a small physicochemical difference between leucine and phenylalanine. This variant is not present in population databases (ExAC no frequency). This variant has not been reported in the literature in individuals with CYP27A1-related conditions. Advanced modeling of protein sequence and biophysical properties (such as structural, functional, and spatial information, amino acid conservation, physicochemical variation, residue mobility, and thermodynamic stability) performed at Invitae indicates that this missense variant is not expected to disrupt CYP27A1 protein function. In summary, the available evidence is currently insufficient to determine the role of this variant in disease. Therefore, it has been classified as a Variant of Uncertain Significance.

NM_000784.4(CYP27A1):c.259C>T (p.Leu87Phe)

Gene: CYP27A1 (cytochrome P450 family 27 subfamily A member 1; plus strand). Cytogenetic location: 2q35.
Variant type: single nucleotide variant.
Coding change: c.259C>T on transcript NM_000784.4 (MANE Select); coding-DNA position 259, C replaced by T.
Protein change: p.Leu87Phe; replaces leucine 87 with phenylalanine.
Molecular consequence: missense variant.
Genome position (GRCh38, 1-based): chr2:218,809,580, C>T. VCF-style: chr2-218809580-C-T. GRCh37 (hg19) VCF-style: chr2-219674303-C-T.
Other names: short protein forms L87F.
Identifiers: ClinVar variation 1476448 (VCV001476448.8), dbSNP rs1170171291, ClinGen allele CA350582872.